The following is an entry in ClinVar:

ClinVar aggregate classification (germline): Uncertain significance (1 of 4 stars; one submission).

Conditions:
Immunodeficiency 104. Also called: SCID, AUTOSOMAL RECESSIVE, T CELL-NEGATIVE, B CELL-POSITIVE, NK CELL-POSITIVE; Severe Combined Immune Deficiency, Autosomal Recessive, TCell -Negative, B Cell-Positive, NK Cell-Positive, IL7R-Related; IMMUNODEFICIENCY 104, SEVERE COMBINED; Severe combined immunodeficiency, autosomal recessive, T cell-negative, B cell-positive, NK cell-positive. Identifiers: MedGen C5676890, MONDO:0012163, OMIM 608971.

Submission:

Labcorp Genetics (formerly Invitae), Labcorp
Classification: Uncertain significance for Immunodeficiency 104. Last evaluated: 2022-08-09. Review status: criteria provided, single submitter. Criteria: Invitae Variant Classification Sherloc (09022015). Collection method: clinical testing. Allele origin: germline.
Comment: This sequence change replaces glycine, which is neutral and non-polar, with arginine, which is basic and polar, at codon 103 of the IL7R protein (p.Gly103Arg). This variant is not present in population databases (gnomAD no frequency). This variant has not been reported in the literature in individuals affected with IL7R-related conditions. ClinVar contains an entry for this variant (Variation ID: 1026887). Advanced modeling of protein sequence and biophysical properties (such as structural, functional, and spatial information, amino acid conservation, physicochemical variation, residue mobility, and thermodynamic stability) performed at Invitae indicates that this missense variant is expected to disrupt IL7R protein function. Algorithms developed to predict the effect of sequence changes on RNA splicing suggest that this variant may disrupt the consensus splice site. In summary, the available evidence is currently insufficient to determine the role of this variant in disease. Therefore, it has been classified as a Variant of Uncertain Significance.

NM_002185.5(IL7R):c.307G>A (p.Gly103Arg)

Gene: IL7R (interleukin 7 receptor; plus strand). Cytogenetic location: 5p13.2.
Variant type: single nucleotide variant.
Coding change: c.307G>A on transcript NM_002185.5 (MANE Select); coding-DNA position 307, G replaced by A.
Protein change: p.Gly103Arg; replaces glycine 103 with arginine.
Molecular consequence: missense variant. On other transcripts: non-coding transcript variant (1).
Genome position (GRCh38, 1-based): chr5:35,867,391, G>A. VCF-style: chr5-35867391-G-A. GRCh37 (hg19) VCF-style: chr5-35867493-G-A.
Other names: short protein forms G103R.
Identifiers: ClinVar variation 1026887 (VCV001026887.6), dbSNP rs201106853, ClinGen allele CA116967256.
Genomic context (GRCh38, chr5:35,867,391, plus strand): 5'-CTGAATTTCAGGAAACTACAAGAGATATATTTCATCGAGACAAAGAAATTCTTACTGATT[G>A]GAAAGAGCAATATATGTGTGAAGGTTGGAGAAAAGAGTCTAACCTGCAAAAAAATAGACC-3'
Protein context (NP_002176.2, residues 93-113): FIETKKFLLI[Gly103Arg]KSNICVKVGE